The following is an entry in ClinVar:

ClinVar aggregate classification (germline): Uncertain significance. Review status: criteria provided, multiple submitters, no conflicts (2 of 4 stars). 2 submissions from 2 submitters: Uncertain significance (2). Last evaluated 2025-01-20.

Conditions:
Epilepsy, progressive myoclonic, 1B. Also called: PME. Identifiers: Orphanet 308, MedGen C2676254, MONDO:0012904, OMIM 612437.

Allele frequency attached by ClinVar (database versions not stated): TOPMed below 0.00001; gnomAD exomes 0.00001.
gnomAD v4.1: 8 of 1,614,134 alleles (0.0005%); highest among the groups gnomAD compares: Non-Finnish European, 0.00068%; no homozygotes.

Submissions (2):

Labcorp Genetics (formerly Invitae), Labcorp
Classification: Uncertain significance for Epilepsy, progressive myoclonic, 1B. Last evaluated: 2025-01-20. Review status: criteria provided, single submitter. Criteria: Invitae Variant Classification Sherloc (09022015). Collection method: clinical testing. Allele origin: germline.
Comment: This sequence change replaces arginine, which is basic and polar, with cysteine, which is neutral and slightly polar, at codon 144 of the PRICKLE1 protein (p.Arg144Cys). This variant is not present in population databases (gnomAD no frequency). This variant has not been reported in the literature in individuals affected with PRICKLE1-related conditions. ClinVar contains an entry for this variant (Variation ID: 940158). Invitae Evidence Modeling of protein sequence and biophysical properties (such as structural, functional, and spatial information, amino acid conservation, physicochemical variation, residue mobility, and thermodynamic stability) indicates that this missense variant is expected to disrupt PRICKLE1 protein function with a positive predictive value of 80%. In summary, the available evidence is currently insufficient to determine the role of this variant in disease. Therefore, it has been classified as a Variant of Uncertain Significance.

Baylor Genetics
Classification: Uncertain significance for Epilepsy, progressive myoclonic, 1B. Last evaluated: 2023-03-09. Review status: criteria provided, single submitter. Criteria: ACMG Guidelines, 2015. Collection method: clinical testing. Allele origin: unknown.

NM_153026.3(PRICKLE1):c.430C>T (p.Arg144Cys)

Gene: PRICKLE1 (prickle planar cell polarity protein 1; minus strand). Cytogenetic location: 12q12.
Variant type: single nucleotide variant.
Coding change: c.430C>T on transcript NM_153026.3 (MANE Select); coding-DNA position 430, C replaced by T.
Protein change: p.Arg144Cys; replaces arginine 144 with cysteine.
Molecular consequence: missense variant.
Genome position (GRCh38, 1-based): chr12:42,468,784, G>A on the plus strand (C>T on the coding strand, the complement: PRICKLE1 is on the minus strand). VCF-style: chr12-42468784-G-A. GRCh37 (hg19) VCF-style: chr12-42862586-G-A.
Other names: c.430C>T, p.Arg144Cys (NM_001144881.2, NM_001144882.2, NM_001144883.2); short protein forms R144C.
Identifiers: ClinVar variation 940158 (VCV000940158.10), dbSNP rs1284958285, ClinGen allele CA384443997.